The following is an entry in ClinVar:

NM_001035.3(RYR2):c.9119T>C (p.Leu3040Ser)

Gene: RYR2 (ryanodine receptor 2; plus strand). Cytogenetic location: 1q43.
Variant type: single nucleotide variant.
Coding change: c.9119T>C on transcript NM_001035.3 (MANE Select); coding-DNA position 9119, T replaced by C.
Protein change: p.Leu3040Ser; replaces leucine 3040 with serine.
Molecular consequence: missense variant.
Genome position (GRCh38, 1-based): chr1:237,699,016, T>C. VCF-style: chr1-237699016-T-C. GRCh37 (hg19) VCF-style: chr1-237862316-T-C.
Other names: short protein forms L3040S.
Identifiers: ClinVar variation 3072707 (VCV003072707.1), dbSNP rs897940011, ClinGen allele CA39833636.
Genomic context (GRCh38, chr1:237,699,016, plus strand): 5'-CCTCTTTAGGCAATGATGCAACATCAATTGTCAACTGTCTTCATATTTTGGGTCAGACTT[T>C]GGATGCAAGGTAAATGGATACATTTTTACCTAAATAAATTACTATAATAATGATACATGT-3'
Protein context (NP_001026.2, residues 3030-3050): VNCLHILGQT[Leu3040Ser]DARTVMKTGL

ClinVar aggregate classification (germline): Uncertain significance (1 of 4 stars; one submission).

Conditions:
Catecholaminergic polymorphic ventricular tachycardia (CVPT). Also called: Catecholamine-induced polymorphic ventricular tachycardia. Identifiers: Orphanet 3286, MedGen C5574922, MONDO:0017990.

Allele frequency attached by ClinVar (database versions not stated): TOPMed below 0.00001.

Submission:

All of Us Research Program, National Institutes of Health
Classification: Uncertain significance for Catecholaminergic polymorphic ventricular tachycardia. Last evaluated: 2023-08-15. Review status: criteria provided, single submitter. Criteria: ACMG Guidelines, 2015. Collection method: clinical testing. Allele origin: germline. Inheritance: Autosomal dominant inheritance. Observed: 1 variant allele, 1 heterozygote.
Comment: This missense variant replaces leucine with serine at codon 3040 of the RYR2 protein. Computational prediction suggests that this variant may have deleterious impact on protein structure and function (internally defined REVEL score threshold >= 0.7, PMID: 27666373). To our knowledge, functional studies have not been reported for this variant. This variant has not been reported in individuals affected with RYR2-related disorders in the literature. This variant has not been identified in the general population by the Genome Aggregation Database (gnomAD). The available evidence is insufficient to determine the role of this variant in disease conclusively. Therefore, this variant is classified as a Variant of Uncertain Significance.

This study involves interpretation of variants in research participants for the purpose of population health screening. Participant phenotype was not available at the time of variant classification. Additional details can be found in publication PMID: 35346344, PMCID: PMC8962531